The following is an entry in ClinVar:

NM_145290.4(ADGRA3):c.3539G>A (p.Arg1180Gln)

Gene: ADGRA3 (adhesion G protein-coupled receptor A3; minus strand). Cytogenetic location: 4p15.2.
Variant type: single nucleotide variant.
Coding change: c.3539G>A on transcript NM_145290.4 (MANE Select); coding-DNA position 3539, G replaced by A.
Protein change: p.Arg1180Gln; replaces arginine 1180 with glutamine.
Molecular consequence: missense variant.
Genome position (GRCh38, 1-based): chr4:22,388,132, C>T on the plus strand (G>A on the coding strand, the complement: ADGRA3 is on the minus strand). VCF-style: chr4-22388132-C-T. GRCh37 (hg19) VCF-style: chr4-22389755-C-T.
Other names: short protein forms R1180Q.
Identifiers: ClinVar variation 1472270 (VCV001472270.6), dbSNP rs765990340, ClinGen allele CA2873348.

ClinVar aggregate classification (germline): Uncertain significance (1 of 4 stars; one submission).

Allele frequency attached by ClinVar (database versions not stated): gnomAD 0.00001; gnomAD exomes 0.00001 and 0.00002; ExAC 0.00002; TOPMed 0.00002.
gnomAD v4.1: 15 of 1,613,968 alleles (0.00093%); highest among the groups gnomAD compares: East Asian, 0.0067%; no homozygotes.

Submission:

Labcorp Genetics (formerly Invitae), Labcorp
Classification: Uncertain significance. Last evaluated: 2025-01-15. Review status: criteria provided, single submitter. Criteria: Invitae Variant Classification Sherloc (09022015). Collection method: clinical testing. Allele origin: germline.
Comment: This sequence change replaces arginine, which is basic and polar, with glutamine, which is neutral and polar, at codon 1180 of the ADGRA3 protein (p.Arg1180Gln). This variant is present in population databases (rs765990340, gnomAD 0.01%). This variant has not been reported in the literature in individuals affected with ADGRA3-related conditions. ClinVar contains an entry for this variant (Variation ID: 1472270). An algorithm developed to predict the effect of missense changes on protein structure and function (PolyPhen-2) suggests that this variant is likely to be disruptive. In summary, the available evidence is currently insufficient to determine the role of this variant in disease. Therefore, it has been classified as a Variant of Uncertain Significance.